The following is an entry in ClinVar:

ClinVar aggregate classification (germline): Uncertain significance (1 of 4 stars; one submission).

Conditions:
Inborn genetic diseases. Identifiers: MedGen C0950123, MeSH D030342.

Submission:

Ambry Genetics
Classification: Uncertain significance for Inborn genetic diseases. Last evaluated: 2025-08-11. Review status: criteria provided, single submitter. Criteria: Ambry Variant Classification Scheme 2023. Collection method: clinical testing. Allele origin: germline.
Comment: The p.M421T variant (also known as c.1262T>C), located in coding exon 5 of the GATA2 gene, results from a T to C substitution at nucleotide position 1262. The methionine at codon 421 is replaced by threonine, an amino acid with similar properties. This amino acid position is conserved. In addition, the in silico prediction for this alteration is inconclusive. Based on the available evidence, the clinical significance of this variant remains unclear.

NM_032638.5(GATA2):c.1262T>C (p.Met421Thr)

Gene: GATA2 (GATA binding protein 2; minus strand). Cytogenetic location: 3q21.3.
Variant type: single nucleotide variant.
Coding change: c.1262T>C on transcript NM_032638.5 (MANE Select); coding-DNA position 1262, T replaced by C.
Protein change: p.Met421Thr; replaces methionine 421 with threonine.
Molecular consequence: missense variant.
Genome position (GRCh38, 1-based): chr3:128,481,200, A>G on the plus strand (T>C on the coding strand, the complement: GATA2 is on the minus strand). VCF-style: chr3-128481200-A-G. GRCh37 (hg19) VCF-style: chr3-128200043-A-G.
Other names: c.1262T>C, p.Met421Thr (NM_001145661.2); c.1220T>C, p.Met407Thr (NM_001145662.1); short protein forms M421T, M407T.
Identifiers: ClinVar variation 4262136 (VCV004262136.1).